The following is an entry in ClinVar:

NM_212482.4(FN1):c.5584G>C (p.Ala1862Pro)

Gene: FN1 (fibronectin 1; minus strand). Cytogenetic location: 2q35.
Variant type: single nucleotide variant.
Coding change: c.5584G>C on transcript NM_212482.4 (MANE Select); coding-DNA position 5584, G replaced by C.
Protein change: p.Ala1862Pro; replaces alanine 1862 with proline.
Molecular consequence: missense variant.
Genome position (GRCh38, 1-based): chr2:215,379,168, C>G on the plus strand (G>C on the coding strand, the complement: FN1 is on the minus strand). VCF-style: chr2-215379168-C-G. GRCh37 (hg19) VCF-style: chr2-216243891-C-G.
Other names: c.5584G>C, p.Ala1862Pro (NM_001306129.2); c.5314G>C, p.Ala1772Pro (NM_001306130.2, NM_001365517.2, NM_001365519.2 and 2 more transcripts); c.5041G>C, p.Ala1681Pro (NM_001306131.2, NM_001306132.2, NM_001365523.2 and 2 more transcripts); c.5311G>C, p.Ala1771Pro (NM_001365518.2, NM_001365520.2, NM_001365524.2 and 2 more transcripts); short protein forms A1862P, A1771P, A1772P, A1681P.
Identifiers: ClinVar variation 3710579 (VCV003710579.2).
Genomic context (GRCh38, chr2:215,379,168, plus strand): 5'-ATGAACAACGGTCATGTCTTACCATAAGTCCTGATACAACCACGGATGAGCTGTCAGGAG[C>G]AAGGTTGATTTCTTTCATTGGTCCGGTCTTCTCCTTGGGGGTCACCCGCACTCGATATCC-3'
Protein context (NP_997647.2, residues 1852-1872): KTGPMKEINL[Ala1862Pro]PDSSSVVVSG

ClinVar aggregate classification (germline): Uncertain significance (1 of 4 stars; one submission).

Submission:

Labcorp Genetics (formerly Invitae), Labcorp
Classification: Uncertain significance. Last evaluated: 2024-09-27. Review status: criteria provided, single submitter. Criteria: Invitae Variant Classification Sherloc (09022015). Collection method: clinical testing. Allele origin: germline.
Comment: This sequence change replaces alanine, which is neutral and non-polar, with proline, which is neutral and non-polar, at codon 1862 of the FN1 protein (p.Ala1862Pro). This variant is not present in population databases (gnomAD no frequency). This variant has not been reported in the literature in individuals affected with FN1-related conditions. An algorithm developed to predict the effect of missense changes on protein structure and function (PolyPhen-2) suggests that this variant is likely to be disruptive. In summary, the available evidence is currently insufficient to determine the role of this variant in disease. Therefore, it has been classified as a Variant of Uncertain Significance.